The following is an entry in ClinVar:

ClinVar aggregate classification (germline): Conflicting classifications of pathogenicity. Review status: criteria provided, conflicting classifications (1 of 4 stars). 5 submissions from 5 submitters: Uncertain significance (3); Likely benign (1). 1 of the submissions does not count toward it. Last evaluated 2026-01-12.

Conditions:
COL11A1-related disorder. Also called: COL11A1-related condition; COL11A1-related disorders.
Inborn genetic diseases. Identifiers: MedGen C0950123, MeSH D030342.

Allele frequency attached by ClinVar (database versions not stated): gnomAD exomes 0.00005 and 0.00004; ExAC 0.00008; TOPMed 0.00004; gnomAD 0.00005 and 0.00006.
gnomAD v4.1: 71 of 1,612,824 alleles (0.0044%); highest among the groups gnomAD compares: Non-Finnish European, 0.0057%; no homozygotes.

Submissions (5):

Labcorp Genetics (formerly Invitae), Labcorp
Classification: Likely benign. Last evaluated: 2026-01-12. Review status: criteria provided, single submitter. Criteria: Invitae Variant Classification Sherloc (09022015). Collection method: clinical testing. Allele origin: germline.

Blueprint Genetics
Classification: Uncertain significance. Last evaluated: 2024-10-03. Review status: criteria provided, single submitter. Criteria: ACMG Guidelines, 2015. Collection method: clinical testing. Allele origin: germline.

Ambry Genetics
Classification: Uncertain significance for Inborn genetic diseases. Last evaluated: 2021-10-29. Review status: criteria provided, single submitter. Criteria: Ambry Variant Classification Scheme 2023. Collection method: clinical testing. Allele origin: germline.

GeneDx
Classification: Uncertain significance. Last evaluated: 2020-12-21. Review status: criteria provided, single submitter. Criteria: GeneDx Variant Classification Process June 2021. Collection method: clinical testing. Allele origin: germline. Affected: yes.
Comment: Has not been previously published as pathogenic or benign to our knowledge; In silico analysis supports that this missense variant has a deleterious effect on protein structure/function

PreventionGenetics, part of Exact Sciences
Classification: Uncertain significance for COL11A1-related condition. Last evaluated: 2024-02-26. Review status: no assertion criteria provided. Collection method: clinical testing. Allele origin: germline. Not counted in ClinVar's aggregate classification.
Comment: The COL11A1 c.4193A>C variant is predicted to result in the amino acid substitution p.Gln1398Pro. This variant was reported in an individual with cleft lip and cleft palate (Dąbrowska et al 2022. PubMed ID: 35778651). This variant is reported in 0.011% of alleles in individuals of European (Non-Finnish) descent in gnomAD. At this time, the clinical significance of this variant is uncertain due to the absence of conclusive functional and genetic evidence.

NM_001854.4(COL11A1):c.4193A>C (p.Gln1398Pro)

Gene: COL11A1 (collagen type XI alpha 1 chain; minus strand). Cytogenetic location: 1p21.1.
Variant type: single nucleotide variant.
Coding change: c.4193A>C on transcript NM_001854.4 (MANE Select); coding-DNA position 4193, A replaced by C.
Protein change: p.Gln1398Pro; replaces glutamine 1398 with proline.
Molecular consequence: missense variant. On other transcripts: non-coding transcript variant (1).
Genome position (GRCh38, 1-based): chr1:102,898,721, T>G on the plus strand (A>C on the coding strand, the complement: COL11A1 is on the minus strand). VCF-style: chr1-102898721-T-G. GRCh37 (hg19) VCF-style: chr1-103364277-T-G.
Other names: c.4076A>C, p.Gln1359Pro (NM_001190709.2); c.4229A>C, p.Gln1410Pro (NM_080629.3); c.3845A>C, p.Gln1282Pro (NM_080630.4); short protein forms Q1282P, Q1359P, Q1398P, Q1410P.
Identifiers: ClinVar variation 1089460 (VCV001089460.16), dbSNP rs775587076, ClinGen allele CA973636.